The following is an entry in ClinVar:

NM_005529.7(HSPG2):c.811G>A (p.Ala271Thr)

Gene: HSPG2 (heparan sulfate proteoglycan 2; minus strand). Cytogenetic location: 1p36.12.
Variant type: single nucleotide variant.
Coding change: c.811G>A on transcript NM_005529.7 (MANE Select); coding-DNA position 811, G replaced by A.
Protein change: p.Ala271Thr; replaces alanine 271 with threonine.
Molecular consequence: missense variant.
Genome position (GRCh38, 1-based): chr1:21,887,567, C>T on the plus strand (G>A on the coding strand, the complement: HSPG2 is on the minus strand). VCF-style: chr1-21887567-C-T. GRCh37 (hg19) VCF-style: chr1-22214060-C-T.
Other names: c.811G>A, p.Ala271Thr (NM_001291860.2); short protein forms A271T.
Identifiers: ClinVar variation 2166517 (VCV002166517.2), dbSNP rs368896144, ClinGen allele CA673692.

ClinVar aggregate classification (germline): Uncertain significance (1 of 4 stars; one submission).

Allele frequency attached by ClinVar (database versions not stated): ExAC 0.00004; gnomAD 0.00007; TOPMed 0.00007; ESP Exome Variant Server 0.00015; 1000 Genomes Project 0.00020; 1000 Genomes Project 30x 0.00031.

Submission:

Labcorp Genetics (formerly Invitae), Labcorp
Classification: Uncertain significance. Last evaluated: 2023-08-10. Review status: criteria provided, single submitter. Criteria: Invitae Variant Classification Sherloc (09022015). Collection method: clinical testing. Allele origin: germline.
Comment: This sequence change replaces alanine, which is neutral and non-polar, with threonine, which is neutral and polar, at codon 271 of the HSPG2 protein (p.Ala271Thr). This variant is present in population databases (rs368896144, gnomAD 0.02%). This missense change has been observed in individual(s) with Schwartz-Jampel syndrome (PMID: 28641477). ClinVar contains an entry for this variant (Variation ID: 2166517). Algorithms developed to predict the effect of missense changes on protein structure and function output the following: SIFT: "Not Available"; PolyPhen-2: "Benign"; Align-GVGD: "Not Available". The threonine amino acid residue is found in multiple mammalian species, which suggests that this missense change does not adversely affect protein function. In summary, the available evidence is currently insufficient to determine the role of this variant in disease. Therefore, it has been classified as a Variant of Uncertain Significance.

Literature cited by the submitters: PubMed 28641477.